The following is an entry in ClinVar:

NM_000051.4(ATM):c.2514G>T (p.Met838Ile)

Gene: ATM (ATM serine/threonine kinase; plus strand). Cytogenetic location: 11q22.3.
Variant type: single nucleotide variant.
Coding change: c.2514G>T on transcript NM_000051.4 (MANE Select); coding-DNA position 2514, G replaced by T.
Protein change: p.Met838Ile; replaces methionine 838 with isoleucine.
Molecular consequence: missense variant.
Genome position (GRCh38, 1-based): chr11:108,267,218, G>T. VCF-style: chr11-108267218-G-T. GRCh37 (hg19) VCF-style: chr11-108137945-G-T.
Other names: c.2514G>T (NM_000051.3); c.2514G>T, p.Met838Ile (NM_001351834.2); short protein forms M838I.
Identifiers: ClinVar variation 1473185 (VCV001473185.9), dbSNP rs2135506364, ClinGen allele CA382543416.

ClinVar aggregate classification (germline): Uncertain significance. Review status: criteria provided, multiple submitters, no conflicts (2 of 4 stars). 2 submissions from 2 submitters: Uncertain significance (2). Last evaluated 2025-09-12.

Conditions:
Hereditary cancer-predisposing syndrome. Also called: Hereditary neoplastic syndrome; Tumor predisposition; Neoplastic Syndromes, Hereditary; Hereditary Cancer Syndrome. Identifiers: Orphanet 140162, MedGen C0027672, MeSH D009386, MONDO:0015356.
Ataxia-telangiectasia syndrome (AT). Also called: ATAXIA-TELANGIECTASIA, COMPLEMENTATION GROUP A; ATAXIA-TELANGIECTASIA, FRESNO VARIANT; LOUIS-BAR SYNDROME; Ataxia-telangiectasia; Cerebello-oculocutaneous telangiectasia; Immunodeficiency with ataxia telangiectasia. Identifiers: Orphanet 100, MedGen C0004135, MONDO:0008840, OMIM 208900.

Submissions (2):

Ambry Genetics
Classification: Uncertain significance for Hereditary cancer-predisposing syndrome. Last evaluated: 2025-09-12. Review status: criteria provided, single submitter. Criteria: Ambry Variant Classification Scheme 2023. Collection method: clinical testing. Allele origin: germline.
Comment: The p.M838I variant (also known as c.2514G>T), located in coding exon 16 of the ATM gene, results from a G to T substitution at nucleotide position 2514. The methionine at codon 838 is replaced by isoleucine, an amino acid with highly similar properties. This amino acid position is conserved. In addition, this alteration is predicted to be tolerated by in silico analysis. Based on the available evidence, the clinical significance of this variant remains unclear.

Labcorp Genetics (formerly Invitae), Labcorp
Classification: Uncertain significance for Ataxia-telangiectasia syndrome. Last evaluated: 2024-05-29. Review status: criteria provided, single submitter. Criteria: Invitae Variant Classification Sherloc (09022015). Collection method: clinical testing. Allele origin: germline.
Comment: This sequence change replaces methionine, which is neutral and non-polar, with isoleucine, which is neutral and non-polar, at codon 838 of the ATM protein (p.Met838Ile). This variant is not present in population databases (gnomAD no frequency). This variant has not been reported in the literature in individuals affected with ATM-related conditions. ClinVar contains an entry for this variant (Variation ID: 1473185). Algorithms developed to predict the effect of missense changes on protein structure and function output the following: SIFT: "Not Available"; PolyPhen-2: "Benign"; Align-GVGD: "Not Available". The isoleucine amino acid residue is found in multiple mammalian species, which suggests that this missense change does not adversely affect protein function. In summary, the available evidence is currently insufficient to determine the role of this variant in disease. Therefore, it has been classified as a Variant of Uncertain Significance.